The following is an entry in ClinVar:

ClinVar aggregate classification (germline): Uncertain significance (1 of 4 stars; one submission).

Submission:

GeneDx
Classification: Uncertain significance. Last evaluated: 2023-05-08. Review status: criteria provided, single submitter. Criteria: GeneDx Variant Classification Process June 2021. Collection method: clinical testing. Allele origin: germline. Affected: yes.
Comment: Not observed at significant frequency in large population cohorts (gnomAD); In silico analysis supports that this missense variant has a deleterious effect on protein structure/function; Has not been previously published as pathogenic or benign to our knowledge

NM_020937.4(FANCM):c.2404A>T (p.Asn802Tyr)

Gene: FANCM (FA complementation group M; plus strand). Cytogenetic location: 14q21.2.
Variant type: single nucleotide variant.
Coding change: c.2404A>T on transcript NM_020937.4 (MANE Select); coding-DNA position 2404, A replaced by T.
Protein change: p.Asn802Tyr; replaces asparagine 802 with tyrosine.
Molecular consequence: missense variant.
Genome position (GRCh38, 1-based): chr14:45,175,158, A>T. VCF-style: chr14-45175158-A-T. GRCh37 (hg19) VCF-style: chr14-45644361-A-T.
Other names: c.2326A>T, p.Asn776Tyr (NM_001308133.2); short protein forms N776Y, N802Y.
Identifiers: ClinVar variation 2663071 (VCV002663071.1), dbSNP rs2503180450, ClinGen allele CA389597723.